The following is an entry in ClinVar:

ClinVar aggregate classification (germline): Uncertain significance (1 of 4 stars; one submission).

Conditions:
Agammaglobulinemia 4, autosomal recessive (AGM4). Also called: AGAMMAGLOBULINEMIA, AUTOSOMAL RECESSIVE, DUE TO BLNK DEFECT; B cell linker protein deficiency. Identifiers: MedGen C3150752, MONDO:0013289, OMIM 613502.

Submission:

Labcorp Genetics (formerly Invitae), Labcorp
Classification: Uncertain significance for Agammaglobulinemia 4, autosomal recessive. Last evaluated: 2022-07-19. Review status: criteria provided, single submitter. Criteria: Invitae Variant Classification Sherloc (09022015). Collection method: clinical testing. Allele origin: germline.
Comment: In summary, the available evidence is currently insufficient to determine the role of this variant in disease. Therefore, it has been classified as a Variant of Uncertain Significance. Variants that disrupt the consensus splice site are a relatively common cause of aberrant splicing (PMID: 17576681, 9536098). Algorithms developed to predict the effect of sequence changes on RNA splicing suggest that this variant is not likely to affect RNA splicing. ClinVar contains an entry for this variant (Variation ID: 1480638). This variant has not been reported in the literature in individuals affected with BLNK-related conditions. This variant is not present in population databases (gnomAD no frequency). This sequence change falls in intron 8 of the BLNK gene. It does not directly change the encoded amino acid sequence of the BLNK protein. It affects a nucleotide within the consensus splice site.

Literature cited by the submitters: PubMed 17576681; PubMed 9536098.

NM_013314.4(BLNK):c.677-3C>T

Gene: BLNK (B cell linker; minus strand). Cytogenetic location: 10q24.1.
Variant type: single nucleotide variant.
Coding change: c.677-3C>T on transcript NM_013314.4 (MANE Select); 3 bases into the intron before coding-DNA position 677, C replaced by T.
Molecular consequence: intron variant.
Genome position (GRCh38, 1-based): chr10:96,209,910, G>A on the plus strand (C>T on the coding strand, the complement: BLNK is on the minus strand). VCF-style: chr10-96209910-G-A. GRCh37 (hg19) VCF-style: chr10-97969666-G-A.
Other names: c.362-3C>T (NM_001258442.2); c.608-3C>T (NM_001258441.2, NM_001114094.2); c.677-3C>T (NM_001258440.2).
Identifiers: ClinVar variation 1480638 (VCV001480638.6), dbSNP rs2133983445, ClinGen allele CA2573146080.
Genomic context (GRCh38, chr10:96,209,910, plus strand): 5'-AACGGGGATGGTGCAGCTGGTGGAGGTGACTTGGTTTCCCAGGCCCCACTGTTTCGACCT[G>A]CACAAACATATACACTACTCAGTCCCCAAGTCCTGAGCCGGGGGCTGATGCTCACACTGA-3'